The following is an entry in ClinVar:

NM_000202.8(IDS):c.248T>C (p.Val83Ala)

Gene: IDS (iduronate 2-sulfatase; minus strand). Cytogenetic location: Xq28.
Variant type: single nucleotide variant.
Coding change: c.248T>C on transcript NM_000202.8 (MANE Select); coding-DNA position 248, T replaced by C.
Protein change: p.Val83Ala; replaces valine 83 with alanine.
Molecular consequence: missense variant. On other transcripts: non-coding transcript variant (1), intron variant (1).
Genome position (GRCh38, 1-based): chrX:149,503,482, A>G on the plus strand (T>C on the coding strand, the complement: IDS is on the minus strand). VCF-style: chrX-149503482-A-G. GRCh37 (hg19) VCF-style: chrX-148585012-A-G.
Other names: c.248T>C, p.Val83Ala (NM_006123.5); c.15-37T>C (NM_001166550.4); short protein forms V83A.
Identifiers: ClinVar variation 4704291 (VCV004704291.1).

ClinVar aggregate classification (germline): Uncertain significance (1 of 4 stars; one submission).

Conditions:
Mucopolysaccharidosis, MPS-II (MPS2). Also called: Attenuated MPS (subtype; formerly known as mild MPS II); Severe MPS II; I2S deficiency; MPS 2; Hunter Syndrome; IDURONATE 2-SULFATASE DEFICIENCY. Identifiers: Orphanet 580, Orphanet 79388, MedGen C0026705, MONDO:0010674, OMIM 309900.

Submission:

Labcorp Genetics (formerly Invitae), Labcorp
Classification: Uncertain significance for Mucopolysaccharidosis, MPS-II. Last evaluated: 2026-01-14. Review status: criteria provided, single submitter. Criteria: Invitae Variant Classification Sherloc (09022015). Collection method: clinical testing. Allele origin: germline.
Comment: This sequence change replaces valine, which is neutral and non-polar, with alanine, which is neutral and non-polar, at codon 83 of the IDS protein (p.Val83Ala). This variant is not present in population databases (gnomAD no frequency). This variant has not been reported in the literature in individuals affected with IDS-related conditions. Invitae Evidence Modeling of protein sequence and biophysical properties (such as structural, functional, and spatial information, amino acid conservation, physicochemical variation, residue mobility, and thermodynamic stability) indicates that this missense variant is not expected to disrupt IDS protein function with a negative predictive value of 95%. In summary, the available evidence is currently insufficient to determine the role of this variant in disease. Therefore, it has been classified as a Variant of Uncertain Significance.